The following is an entry in ClinVar:

ClinVar aggregate classification (germline): Benign/Likely benign. Review status: criteria provided, multiple submitters, no conflicts (2 of 4 stars). 4 submissions from 4 submitters: Benign (2); Likely benign (1). 1 of the submissions does not count toward it. Last evaluated 2025-02-16.

Conditions:
KCNN3-related disorder. Also called: KCNN3-related condition.

Submissions (4):

Laboratory of Genetics, Children's Clinical University Hospital Latvia
Classification: Benign. Last evaluated: 2025-02-16. Review status: criteria provided, single submitter. Criteria: ACMG Guidelines, 2015. Collection method: clinical testing. Allele origin: germline. Affected: yes.

Blueprint Genetics
Classification: Likely benign. Last evaluated: 2024-11-26. Review status: criteria provided, single submitter. Criteria: ACMG Guidelines, 2015. Collection method: clinical testing. Allele origin: germline.

Mendelics
Classification: Benign. Last evaluated: 2022-05-04. Review status: criteria provided, single submitter. Criteria: Mendelics Assertion Criteria 2019. Collection method: clinical testing. Allele origin: germline.

PreventionGenetics, part of Exact Sciences
Classification: Benign for KCNN3-related condition. Last evaluated: 2024-03-20. Review status: no assertion criteria provided. Collection method: clinical testing. Allele origin: germline. Not counted in ClinVar's aggregate classification.
Comment: This variant is classified as benign based on ACMG/AMP sequence variant interpretation guidelines (Richards et al. 2015 PMID: 25741868, with internal and published modifications).

NM_002249.6(KCNN3):c.200AGC[21] (p.Gln74_Gln80dup)

Gene: KCNN3 (potassium calcium-activated channel subfamily N member 3; minus strand). Cytogenetic location: 1q21.3.
Variant type: Microsatellite.
Coding change: c.200AGC[21] on transcript NM_002249.6 (MANE Select); 21 copies in a row of the 3-base unit AGC starting at c.200; the reference has 14 copies in a row; seven copies, 21 bases duplicated.
Protein change: p.Gln74_Gln80dup.
Molecular consequence: inframe insertion.
Genome position (GRCh38, 1-based): chr1:154,869,724-154,869,744, GCTGCTGCTGCTGCTGCTGCT duplicated on the plus strand (AGCAGCAGCAGCAGCAGCAGC on the coding strand, the reverse complement: KCNN3 is on the minus strand); duplicating any 21 consecutive bases within chr1:154,869,724-154,869,766 gives the same sequence; the position shown is the placement nearest the transcript's 3' end. VCF-style (leftmost placement, unchanged base first): chr1-154869723-G-GGCTGCTGCTGCTGCTGCTGCT. GRCh37 (hg19) VCF-style: chr1-154842199-G-GGCTGCTGCTGCTGCTGCTGCT.
Other names: c.221_241dup21 (NM_001204087.1); c.200AGC[21], p.Gln74_Gln80dup (NM_001204087.2).
Identifiers: ClinVar variation 1685432 (VCV001685432.4), dbSNP rs3831942, ClinGen allele CA1132330.
Genomic context (GRCh38, chr1:154,869,723, plus strand): 5'-AGCAGGCCAGGGTGGACGGGCTGGCTCTGGAGTTGGGCGAGCTGAGACAGGGGATGCGGT[G>GGCTGCTGCTGCTGCTGCTGCT]GCTGCTGCTGCTGCTGCTGCTGCTGCTGCTGCTGCTGCTGCTGAAGCTGCGGAGGCTGAG-3'